The following is an entry in ClinVar:

NM_001360016.2(G6PD):c.973G>A (p.Asp325Asn)

Gene: G6PD (glucose-6-phosphate dehydrogenase; minus strand). Cytogenetic location: Xq28.
Variant type: single nucleotide variant.
Coding change: c.973G>A on transcript NM_001360016.2 (MANE Select); coding-DNA position 973, G replaced by A.
Protein change: p.Asp325Asn; replaces aspartic acid 325 with asparagine.
Molecular consequence: missense variant.
Genome position (GRCh38, 1-based): chrX:154,533,020, C>T on the plus strand (G>A on the coding strand, the complement: G6PD is on the minus strand). VCF-style: chrX-154533020-C-T. GRCh37 (hg19) VCF-style: chrX-153761235-C-T.
Other names: G6PD Karachi; c.1063G>A, p.Asp355Asn (NM_000402.4); c.973G>A, p.Asp325Asn (NM_001042351.3); short protein forms D325N, D355N.
Identifiers: ClinVar variation 1014228 (VCV001014228.8), dbSNP rs781906610, ClinGen allele CA10566104.

ClinVar aggregate classification (germline): Conflicting classifications of pathogenicity. Review status: criteria provided, conflicting classifications (1 of 4 stars). 2 submissions from 2 submitters: Likely pathogenic (1); Uncertain significance (1). Last evaluated 2022-08-12.

Conditions:
Anemia, nonspherocytic hemolytic, due to G6PD deficiency (CNSHA1). Also called: Hemolytic anemia due to G6PD deficiency; Favism, susceptibility to; Class I glucose-6-phosphate dehydrogenase deficiency; ANEMIA, CONGENITAL, NONSPHEROCYTIC HEMOLYTIC, 1. Identifiers: Orphanet 466026, MedGen C2720289, MONDO:0010480, OMIM 300908.

Allele frequency attached by ClinVar (database versions not stated): gnomAD exomes below 0.00001 and 0.00001; ExAC 0.00001.
gnomAD v4.1: 2 of 1,212,213 alleles (0.00016%); highest among the groups gnomAD compares: South Asian, 0.0018%; no homozygotes.

Submissions (2):

Dunham Lab, University of Washington
Classification: Likely pathogenic for Anemia, nonspherocytic hemolytic, due to G6PD deficiency. Last evaluated: 2022-08-12. Review status: criteria provided, single submitter. Criteria: Bayesian ACMG Guidelines, 2018. Collection method: curation. Allele origin: unknown. Affected: yes.
Comment: Decreased activity in red blood cells (PS3). Modeling predicts disruption of function (PP3). Below expected carrier frequency in gnomAD (PM2). Post_P 0.975 (odds of pathogenicity 350.3, Prior_P 0.1).

Labcorp Genetics (formerly Invitae), Labcorp
Classification: Uncertain significance for Anemia, nonspherocytic hemolytic, due to G6PD deficiency. Last evaluated: 2022-06-13. Review status: criteria provided, single submitter. Criteria: Invitae Variant Classification Sherloc (09022015). Collection method: clinical testing. Allele origin: germline.
Comment: This sequence change replaces aspartic acid, which is acidic and polar, with asparagine, which is neutral and polar, at codon 325 of the G6PD protein (p.Asp325Asn). The frequency data for this variant in the population databases is considered unreliable, as metrics indicate poor data quality at this position in the gnomAD database. This missense change has been observed in individual(s) with glucose-6-phosphate dehydrogenase deficiency (PMID: 21507207). ClinVar contains an entry for this variant (Variation ID: 1014228). Advanced modeling of protein sequence and biophysical properties (such as structural, functional, and spatial information, amino acid conservation, physicochemical variation, residue mobility, and thermodynamic stability) performed at Invitae indicates that this missense variant is expected to disrupt G6PD protein function. In summary, the available evidence is currently insufficient to determine the role of this variant in disease. Therefore, it has been classified as a Variant of Uncertain Significance.

Literature cited by the submitters: PubMed 21507207 (cited by Dunham Lab, University of Washington and Labcorp Genetics (formerly Invitae), Labcorp).